The following is an entry in ClinVar:

ClinVar aggregate classification (germline): Conflicting classifications of pathogenicity. Review status: criteria provided, conflicting classifications (1 of 4 stars). 8 submissions from 5 submitters: Likely pathogenic (1); Uncertain significance (7). Last evaluated 2025-10-02.

Conditions:
Basal laminar drusen. Also called: DRUSEN OF BRUCH MEMBRANE; DRUSEN, CUTICULAR; DRUSEN, EARLY ADULT-ONSET, GROUPED. Identifiers: Orphanet 75376, MedGen C0730295, MONDO:0007472, OMIM 126700.
Focal segmental glomerulosclerosis (FSGS). Also called: Glomerulosclerosis, focal; Focal sclerosis with hyalinosis. Identifiers: MedGen C0017668, MONDO:0100313, HP:0000097. Disease mechanism: loss of function.
Age related macular degeneration 4. Identifiers: MedGen C1853147, MONDO:0012540, OMIM 610698.
Atypical hemolytic-uremic syndrome. Identifiers: Orphanet 2134, MedGen C2931788, MONDO:0016244.
Factor H deficiency (CFHD). Also called: CFH DEFICIENCY; COMPLEMENT FACTOR H DEFICIENCY. Identifiers: Orphanet 200421, MedGen C0398777, MONDO:0012350, OMIM 609814.
Hemolytic uremic syndrome, atypical, susceptibility to, 1. Also called: AHUS, SUSCEPTIBILITY TO, 1. Identifiers: Orphanet 2134, Orphanet 90038, MedGen C2749604, MONDO:0009335, OMIM 235400. Disease mechanism: Other.

Allele frequency attached by ClinVar (database versions not stated): ExAC 0.00001; TOPMed 0.00001; gnomAD 0.00002.
gnomAD v4.1: 30 of 1,610,606 alleles (0.0019%); highest among the groups gnomAD compares: Admixed American, 0.005%; no homozygotes.

Submissions (8):

Genomenon, Inc
Classification: Likely pathogenic for Atypical hemolytic-uremic syndrome; Age related macular degeneration 4. Last evaluated: 2025-10-02. Review status: criteria provided, single submitter. Criteria: Genomenon Sequence Variant Interpretation Standards - Updated. Collection method: curation. Allele origin: germline. Affected: yes.
Comment: CFH p.Pro258Leu (c.773C>T) is a missense variant that changes the amino acid at residue 258 from Proline to Leucine. This variant has been observed in at least one proband affected with a CFH-related disorder (PMID:35925583;32808006;27799617). At least one functional study has demonstrated a substantial alteration in protein function relative to the wild-type (PMID:34189567). It is absent or not present at a significant frequency in gnomAD. In conclusion, we classify CFH p.Pro258Leu (c.773C>T) as a likely pathogenic variant.

Fulgent Genetics
Classification: Uncertain significance for Basal laminar drusen; Hemolytic uremic syndrome, atypical, susceptibility to, 1; Factor H deficiency; Age related macular degeneration 4. Last evaluated: 2024-06-19. Review status: criteria provided, single submitter. Criteria: ACMG Guidelines, 2015. Collection method: clinical testing. Allele origin: germline.

Labcorp Genetics (formerly Invitae), Labcorp
Classification: Uncertain significance. Last evaluated: 2023-08-17. Review status: criteria provided, single submitter. Criteria: Invitae Variant Classification Sherloc (09022015). Collection method: clinical testing. Allele origin: germline.
Comment: In summary, the available evidence is currently insufficient to determine the role of this variant in disease. Therefore, it has been classified as a Variant of Uncertain Significance. Experimental studies have shown that this missense change affects CFH function (PMID: 34189567). An algorithm developed to predict the effect of missense changes on protein structure and function (PolyPhen-2) suggests that this variant is likely to be disruptive. ClinVar contains an entry for this variant (Variation ID: 1712406). This missense change has been observed in individual(s) with CFH-related conditions (PMID: 17089378, 35925583). This variant is present in population databases (rs768526062, gnomAD 0.0009%). This sequence change replaces proline, which is neutral and non-polar, with leucine, which is neutral and non-polar, at codon 258 of the CFH protein (p.Pro258Leu).

Genome-Nilou Lab
Classification: Uncertain significance for Hemolytic uremic syndrome, atypical, susceptibility to, 1. Last evaluated: 2023-04-11. Review status: criteria provided, single submitter. Criteria: ACMG Guidelines, 2015. Collection method: clinical testing. Allele origin: germline. Affected: no.

Genome-Nilou Lab
Classification: Uncertain significance for Age related macular degeneration 4. Last evaluated: 2023-04-11. Review status: criteria provided, single submitter. Criteria: ACMG Guidelines, 2015. Collection method: clinical testing. Allele origin: germline. Affected: no.

Genome-Nilou Lab
Classification: Uncertain significance for Basal laminar drusen. Last evaluated: 2023-04-11. Review status: criteria provided, single submitter. Criteria: ACMG Guidelines, 2015. Collection method: clinical testing. Allele origin: germline. Affected: no.

Genome-Nilou Lab
Classification: Uncertain significance for Factor H deficiency. Last evaluated: 2023-04-11. Review status: criteria provided, single submitter. Criteria: ACMG Guidelines, 2015. Collection method: clinical testing. Allele origin: germline. Affected: no.

Genome Diagnostics Laboratory, The Hospital for Sick Children
Classification: Uncertain significance for Focal segmental glomerulosclerosis. Last evaluated: 2017-11-01. Review status: criteria provided, single submitter. Criteria: ACMG Guidelines, 2015. Collection method: clinical testing. Allele origin: germline.

Literature cited by the submitters: PubMed 35925583 (cited by Genomenon, Inc and Labcorp Genetics (formerly Invitae), Labcorp); PubMed 32808006 (cited by Genomenon, Inc); PubMed 27799617 (cited by Genomenon, Inc); PubMed 34189567 (cited by Genomenon, Inc and Labcorp Genetics (formerly Invitae), Labcorp); PubMed 17089378 (cited by Labcorp Genetics (formerly Invitae), Labcorp).

NM_000186.4(CFH):c.773C>T (p.Pro258Leu)

Gene: CFH (complement factor H; plus strand). Cytogenetic location: 1q31.3.
Variant type: single nucleotide variant.
Coding change: c.773C>T on transcript NM_000186.4 (MANE Select); coding-DNA position 773, C replaced by T.
Protein change: p.Pro258Leu; replaces proline 258 with leucine.
Molecular consequence: missense variant.
Genome position (GRCh38, 1-based): chr1:196,679,776, C>T. VCF-style: chr1-196679776-C-T. GRCh37 (hg19) VCF-style: chr1-196648906-C-T.
Other names: c.773C>T, p.Pro258Leu (NM_001014975.3); short protein forms P258L.
Identifiers: ClinVar variation 1712406 (VCV001712406.10), dbSNP rs768526062, ClinGen allele CA1305142.